The following is an entry in ClinVar:

ClinVar aggregate classification (germline): Pathogenic. Review status: criteria provided, multiple submitters, no conflicts (2 of 4 stars). 4 submissions from 4 submitters: Pathogenic (4). Last evaluated 2025-07-01.

Conditions:
Neurofibromatosis, type 1 (NF1). Also called: VON RECKLINGHAUSEN DISEASE; NEUROFIBROMATOSIS, TYPE I, SOMATIC; Peripheral type neurofibromatosis; Neurofibromatosis, type I. Identifiers: Orphanet 636, MedGen C0027831, MONDO:0018975, OMIM 162200. Disease mechanism: loss of function.

Submissions (4):

GeneDx
Classification: Pathogenic. Last evaluated: 2025-07-01. Review status: criteria provided, single submitter. Criteria: GeneDx Variant Classification Process June 2021. Collection method: clinical testing. Allele origin: germline. Affected: yes.
Comment: Nonsense variant predicted to result in protein truncation or nonsense mediated decay in a gene for which loss of function is a known mechanism of disease; Not observed at significant frequency in large population cohorts (gnomAD); This variant is associated with the following publications: (PMID: 25525159, 35008787, 16835897)

Labcorp Genetics (formerly Invitae), Labcorp
Classification: Pathogenic for Neurofibromatosis, type 1. Last evaluated: 2023-09-10. Review status: criteria provided, single submitter. Criteria: Invitae Variant Classification Sherloc (09022015). Collection method: clinical testing. Allele origin: germline.
Comment: This variant is not present in population databases (gnomAD no frequency). This sequence change creates a premature translational stop signal (p.Trp1931*) in the NF1 gene. It is expected to result in an absent or disrupted protein product. Loss-of-function variants in NF1 are known to be pathogenic (PMID: 10712197, 23913538). This premature translational stop signal has been observed in individual(s) with neurofibromatosis type I (PMID: 16835897). For these reasons, this variant has been classified as Pathogenic. ClinVar contains an entry for this variant (Variation ID: 618754).

ARUP Laboratories, Molecular Genetics and Genomics, ARUP Laboratories
Classification: Pathogenic. Last evaluated: 2017-12-15. Review status: criteria provided, single submitter. Criteria: ARUP Molecular Germline Variant Investigation Process. Collection method: clinical testing. Allele origin: germline.
Comment: The NF1 c.5855G>A; p.Trp1952Ter variant (also known as c.5792G>A; p.Trp1931Ter) is reported in at least one individual that fulfilled NIH criteria for a diagnosis of NF1 (Lee 2006). The variant is not reported in the ClinVar database, in the dbSNP variant database, or in the general population-based databases (Exome Variant Server, Genome Aggregation Database). This variant introduces a premature termination codon and is predicted to result in a truncated protein or mRNA subject to non-sense mediated decay. Considering available information, this variant is classified as pathogenic. References: Lee MJ et al. Identification of forty-five novel and twenty-three known NF1 mutations in Chinese patients with neurofibromatosis type 1. Hum Mutat. 2006 Aug;27(8):832.

Juno Genomics, Hangzhou Juno Genomics, Inc
Classification: Pathogenic for Neurofibromatosis, type 1. Review status: criteria provided, single submitter. Criteria: ACMG Guidelines, 2015. Collection method: clinical testing. Allele origin: germline. Affected: yes.
Comment: Null variant in a gene where loss of function (LOF) is a known mechanism of disease.;Absent from controls (or at extremely low frequency if recessive) in Genome Aggregation Database, Exome Sequencing Project, 1000 Genomes Project, or Exome Aggregation Consortium.;The prevalence of the variant in affected individuals is significantly increased compared to the prevalence in controls.;Patient's phenotype or family history is highly specific for a disease with a single genetic etiology.

Literature cited by the submitters: PubMed 10712197 (cited by Labcorp Genetics (formerly Invitae), Labcorp); PubMed 23913538 (cited by Labcorp Genetics (formerly Invitae), Labcorp); PubMed 16835897 (cited by Labcorp Genetics (formerly Invitae), Labcorp).

NM_001042492.3(NF1):c.5855G>A (p.Trp1952Ter)

Gene: NF1 (neurofibromin 1; plus strand). Cytogenetic location: 17q11.2.
Variant type: single nucleotide variant.
Coding change: c.5855G>A on transcript NM_001042492.3 (MANE Select); coding-DNA position 5855, G replaced by A.
Protein change: p.Trp1952Ter; replaces tryptophan 1952 with a stop codon.
Molecular consequence: nonsense.
Genome position (GRCh38, 1-based): chr17:31,334,880, G>A. VCF-style: chr17-31334880-G-A. GRCh37 (hg19) VCF-style: chr17-29661898-G-A.
Other names: c.5792G>A, p.Trp1931Ter (NM_000267.4); short protein forms W1931*, W1952*.
Identifiers: ClinVar variation 618754 (VCV000618754.14), dbSNP rs1567615766, ClinGen allele CA399010646.